The following is an entry in ClinVar:

ClinVar aggregate classification (germline): Conflicting classifications of pathogenicity. Review status: criteria provided, conflicting classifications (1 of 4 stars). 10 submissions from 10 submitters: Uncertain significance (4); Benign (2); Likely benign (1). 3 of the submissions do not count toward it. Last evaluated 2026-01-24.

Conditions:
ITPR1-related disorder. Also called: ITPR1-related condition.
Autosomal dominant cerebellar ataxia. Also called: Spinocerebellar Ataxia, Dominant. Identifiers: Orphanet 99, MedGen C4087347, MONDO:0020380.

Allele frequency attached by ClinVar (database versions not stated): 1000 Genomes Project below 0.00001; TOPMed 0.00064; gnomAD 0.00068 and 0.00071; gnomAD exomes 0.00080 and 0.00082; ExAC 0.00082; ESP Exome Variant Server 0.00083.
gnomAD v4.1: 1,252 of 1,613,712 alleles (0.078%); highest among the groups gnomAD compares: Non-Finnish European, 0.092%; 1 homozygote.

Submissions (10):

Labcorp Genetics (formerly Invitae), Labcorp
Classification: Likely benign. Last evaluated: 2026-01-24. Review status: criteria provided, single submitter. Criteria: Invitae Variant Classification Sherloc (09022015). Collection method: clinical testing. Allele origin: germline.

CeGaT Center for Human Genetics Tuebingen
Classification: Uncertain significance. Last evaluated: 2025-11-01. Review status: criteria provided, single submitter. Criteria: CeGaT Center For Human Genetics Tuebingen Variant Classification Criteria Version 2. Collection method: clinical testing. Allele origin: germline. Affected: yes. Observed: 3 variant alleles.
Comment: ITPR1: PP3

Blueprint Genetics
Classification: Uncertain significance. Last evaluated: 2024-11-25. Review status: criteria provided, single submitter. Criteria: ACMG Guidelines, 2015. Collection method: clinical testing. Allele origin: germline.

Mayo Clinic Laboratories, Mayo Clinic
Classification: Uncertain significance. Last evaluated: 2024-01-16. Review status: criteria provided, single submitter. Criteria: ACMG Guidelines, 2015. Collection method: clinical testing. Allele origin: germline. Observed: 2 variant alleles.
Comment: BS1

GeneDx
Classification: Uncertain significance. Last evaluated: 2021-05-20. Review status: criteria provided, single submitter. Criteria: GeneDx Variant Classification Process June 2021. Collection method: clinical testing. Allele origin: germline. Affected: yes.
Comment: Reported as maternally inherited variant in individual with autism spectrum disorder; however, additional clinical information was not provided and information regarding parental phenotype was not available (Guo et al., 2018); In silico analysis supports that this missense variant does not alter protein structure/function; This variant is associated with the following publications: (PMID: 32859249, 30564305, 29232918)

Illumina Laboratory Services, Illumina
Classification: Benign for Spinocerebellar Ataxia, Dominant. Last evaluated: 2018-01-13. Review status: criteria provided, single submitter. Criteria: ICSL Variant Classification Criteria 13 December 2019. Collection method: clinical testing. Allele origin: germline.
Comment: This variant was observed in the ICSL laboratory as part of a predisposition screen in an ostensibly healthy population. It had not been previously curated by ICSL or reported in the Human Gene Mutation Database (HGMD: prior to June 1st, 2018), and was therefore a candidate for classification through an automated scoring system. Utilizing variant allele frequency, disease prevalence and penetrance estimates, and inheritance mode, an automated score was calculated to assess if this variant is too frequent to cause the disease. Based on the score and internal cut-off values, a variant classified as benign is not then subjected to further curation. The score for this variant resulted in a classification of benign for this disease.

Athena Diagnostics
Classification: Benign. Last evaluated: 2016-11-07. Review status: criteria provided, single submitter. Criteria: Athena Diagnostics Criteria. Collection method: clinical testing. Allele origin: germline.

PreventionGenetics, part of Exact Sciences
Classification: Likely benign for ITPR1-related condition. Last evaluated: 2023-06-08. Review status: no assertion criteria provided. Collection method: clinical testing. Allele origin: germline. Not counted in ClinVar's aggregate classification.
Comment: This variant is classified as likely benign based on ACMG/AMP sequence variant interpretation guidelines (Richards et al. 2015 PMID: 25741868, with internal and published modifications).

Clinical Genetics DNA and cytogenetics Diagnostics Lab, Erasmus MC, Erasmus Medical Center
Classification: Uncertain significance. Review status: no assertion criteria provided. Collection method: clinical testing. Allele origin: germline. Affected: yes. Study: VKGL Data-share Consensus. Not counted in ClinVar's aggregate classification.

Diagnostic Laboratory, Department of Genetics, University Medical Center Groningen
Classification: Uncertain significance. Review status: no assertion criteria provided. Collection method: clinical testing. Allele origin: germline. Affected: yes. Study: VKGL Data-share Consensus. Not counted in ClinVar's aggregate classification.

NM_001378452.1(ITPR1):c.7099G>A (p.Ala2367Thr)

Gene: ITPR1 (inositol 1,4,5-trisphosphate receptor type 1; plus strand). Cytogenetic location: 3p26.1.
Variant type: single nucleotide variant.
Coding change: c.7099G>A on transcript NM_001378452.1 (MANE Select); coding-DNA position 7099, G replaced by A.
Protein change: p.Ala2367Thr; replaces alanine 2367 with threonine.
Molecular consequence: missense variant.
Genome position (GRCh38, 1-based): chr3:4,800,592, G>A. VCF-style: chr3-4800592-G-A. GRCh37 (hg19) VCF-style: chr3-4842276-G-A.
Other names: p.Ala2304Thr; c.6955G>A, p.Ala2319Thr (NM_001099952.4); c.7054G>A, p.Ala2352Thr (NM_001168272.2); c.6910G>A, p.Ala2304Thr (NM_002222.7); c.6910G>A (NM_002222.6); short protein forms A2304T, A2352T, A2319T, A2367T.
Identifiers: ClinVar variation 345760 (VCV000345760.60), dbSNP rs201144431, ClinGen allele CA2232771.
Genomic context (GRCh38, chr3:4,800,592, plus strand): 5'-TCCACAATTCTACGACTGATATTTTCAGTCGGGTTACAACCCACGTTGTTTCTTCTGGGC[G>A]CTTTCAATGTAAGTGTGAATACCTTCCTTGCCACTGTTTTGTTTGCAGATTAATAGGAAT-3'
Protein context (NP_001365381.1, residues 2357-2377): GLQPTLFLLG[Ala2367Thr]FNVCNKIIFL